The following is an entry in ClinVar:

NM_006030.4(CACNA2D2):c.2216G>A (p.Arg739Lys)

Genes: CACNA2D2 (calcium voltage-gated channel auxiliary subunit alpha2delta 2; minus strand), LOC127898564 (CYB561D2-LOC101928965; plus strand), LOC101928965 (uncharacterized LOC101928965; plus strand). Cytogenetic location: 3p21.31.
Variant type: single nucleotide variant.
Coding change: c.2216G>A on transcript NM_006030.4 (MANE Select); coding-DNA position 2216, G replaced by A.
Protein change: p.Arg739Lys; replaces arginine 739 with lysine.
Molecular consequence: missense variant. On other transcripts: non-coding transcript variant (3).
Genome position (GRCh38, 1-based): chr3:50,367,830, C>T on the plus strand (G>A on the coding strand, the complement: CACNA2D2 is on the minus strand). VCF-style: chr3-50367830-C-T. GRCh37 (hg19) VCF-style: chr3-50405261-C-T.
Other names: c.2216G>A, p.Arg739Lys (NM_001005505.3); c.2237G>A, p.Arg746Lys (NM_001174051.3); c.2009G>A, p.Arg670Lys (NM_001291101.1); c.2237G>A (NM_001174051.1); short protein forms R739K, R746K, R670K.
Identifiers: ClinVar variation 857145 (VCV000857145.6), dbSNP rs775331156, ClinGen allele CA2418562.

ClinVar aggregate classification (germline): Uncertain significance. Review status: criteria provided, multiple submitters, no conflicts (2 of 4 stars). 2 submissions from 2 submitters: Uncertain significance (2). Last evaluated 2022-10-25.

Conditions:
Developmental and epileptic encephalopathy. Identifiers: MedGen C5779964, MONDO:0100620.
Inborn genetic diseases. Identifiers: MedGen C0950123, MeSH D030342.

Allele frequency attached by ClinVar (database versions not stated): gnomAD 0.00005; TOPMed 0.00005; ExAC 0.00001; gnomAD exomes 0.00002 and 0.00003.
gnomAD v4.1: 60 of 1,613,470 alleles (0.0037%); highest among the groups gnomAD compares: Middle Eastern, 0.016%; no homozygotes.

Submissions (2):

Labcorp Genetics (formerly Invitae), Labcorp
Classification: Uncertain significance for Early-infantile DEE. Last evaluated: 2022-10-25. Review status: criteria provided, single submitter. Criteria: Invitae Variant Classification Sherloc (09022015). Collection method: clinical testing. Allele origin: germline.
Comment: This sequence change replaces arginine, which is basic and polar, with lysine, which is basic and polar, at codon 739 of the CACNA2D2 protein (p.Arg739Lys). This variant is present in population databases (rs775331156, gnomAD 0.003%). This variant has not been reported in the literature in individuals affected with CACNA2D2-related conditions. ClinVar contains an entry for this variant (Variation ID: 857145). Algorithms developed to predict the effect of missense changes on protein structure and function output the following: SIFT: "Tolerated"; PolyPhen-2: "Benign"; Align-GVGD: "Class C0". The lysine amino acid residue is found in multiple mammalian species, which suggests that this missense change does not adversely affect protein function. In summary, the available evidence is currently insufficient to determine the role of this variant in disease. Therefore, it has been classified as a Variant of Uncertain Significance.

Ambry Genetics
Classification: Uncertain significance for Inborn genetic diseases. Last evaluated: 2021-08-13. Review status: criteria provided, single submitter. Criteria: Ambry Variant Classification Scheme 2023. Collection method: clinical testing. Allele origin: germline.